The following is an entry in ClinVar:

NM_006440.5(TXNRD2):c.450-2A>G

Gene: TXNRD2 (thioredoxin reductase 2; minus strand). Cytogenetic location: 22q11.21.
Variant type: single nucleotide variant.
Coding change: c.450-2A>G on transcript NM_006440.5 (MANE Select); the canonical splice acceptor site of the intron before coding-DNA position 450, A replaced by G.
Molecular consequence: splice acceptor variant.
Genome position (GRCh38, 1-based): chr22:19,915,845, T>C on the plus strand (A>G on the coding strand, the complement: TXNRD2 is on the minus strand). VCF-style: chr22-19915845-T-C. GRCh37 (hg19) VCF-style: chr22-19903368-T-C.
Other names: c.447-2A>G (NM_001352300.2); c.162-2A>G (NM_001352302.2); c.360-2A>G (NM_001352301.2); c.450-2A>G (NM_001282512.3); c.354-2A>G (NM_001352303.2).
Identifiers: ClinVar variation 2838683 (VCV002838683.3), dbSNP rs2517381926, ClinGen allele CA410692808.

ClinVar aggregate classification (germline): Uncertain significance (1 of 4 stars; one submission).

Conditions:
Primary dilated cardiomyopathy (DCM). Also called: Dilated Cardiomyopathy. Identifiers: Orphanet 217604, MedGen C0007193, MeSH D002311, MONDO:0005021, HP:0001644. Inheritance: Various modes of inheritance.

Submission:

Labcorp Genetics (formerly Invitae), Labcorp
Classification: Uncertain significance for Primary dilated cardiomyopathy. Last evaluated: 2023-02-18. Review status: criteria provided, single submitter. Criteria: Invitae Variant Classification Sherloc (09022015). Collection method: clinical testing. Allele origin: germline.
Comment: This sequence change affects an acceptor splice site in intron 5 of the TXNRD2 gene. It is expected to disrupt RNA splicing. Variants that disrupt the donor or acceptor splice site typically lead to a loss of protein function (PMID: 16199547), however the current clinical and genetic evidence is not sufficient to establish whether loss-of-function variants in TXNRD2 cause disease. This variant is not present in population databases (gnomAD no frequency). This variant has not been reported in the literature in individuals affected with TXNRD2-related conditions. Algorithms developed to predict the effect of sequence changes on RNA splicing suggest that this variant may disrupt the consensus splice site. In summary, the available evidence is currently insufficient to determine the role of this variant in disease. Therefore, it has been classified as a Variant of Uncertain Significance.

Literature cited by the submitters: PubMed 16199547.